The following is an entry in ClinVar:

NM_001184880.2(PCDH19):c.344T>A (p.Ile115Lys)

Gene: PCDH19 (protocadherin 19; minus strand). Cytogenetic location: Xq22.1.
Variant type: single nucleotide variant.
Coding change: c.344T>A on transcript NM_001184880.2 (MANE Select); coding-DNA position 344, T replaced by A.
Protein change: p.Ile115Lys; replaces isoleucine 115 with lysine.
Molecular consequence: missense variant.
Genome position (GRCh38, 1-based): chrX:100,408,254, A>T on the plus strand (T>A on the coding strand, the complement: PCDH19 is on the minus strand). VCF-style: chrX-100408254-A-T. GRCh37 (hg19) VCF-style: chrX-99663252-A-T.
Other names: c.344T>A, p.Ile115Lys (NM_001105243.2, NM_020766.3); short protein forms I115K.
Identifiers: ClinVar variation 940983 (VCV000940983.10), dbSNP rs1928464417, ClinGen allele CA414010483.
Genomic context (GRCh38, chrX:100,408,254, plus strand): 5'-TCGATCTGTGCTGCCGGGAAACTGGGCGCATTGTCGTTCAGGTCCTTGATCTCCACCTTT[A>T]TCACGCAGATTTCCATTGAGCTGGACATGACCTCGAGCGAGATGATGCACTTGGGGCTCT-3'
Protein context (NP_001171809.1, residues 105-125): VMSSSMEICV[Ile115Lys]KVEIKDLNDN

ClinVar aggregate classification (germline): Uncertain significance (1 of 4 stars; one submission).

Conditions:
Developmental and epileptic encephalopathy, 9 (DEE9). Also called: Early infantile epileptic encephalopathy 9; EPILEPSY, FEMALE-RESTRICTED, WITH MENTAL RETARDATION; PCDH19-Related X-Linked Female-Limited Epilepsy with Mental Retardation; JUBERG-HELLMAN SYNDROME. Identifiers: Orphanet 101039, Orphanet 2076, MedGen C1848137, MONDO:0010246, OMIM 300088. Disease mechanism: loss of function.

Submission:

Labcorp Genetics (formerly Invitae), Labcorp
Classification: Uncertain significance for Developmental and epileptic encephalopathy, 9. Last evaluated: 2019-10-03. Review status: criteria provided, single submitter. Criteria: Invitae Variant Classification Sherloc (09022015). Collection method: clinical testing. Allele origin: germline.
Comment: This variant is not present in population databases (ExAC no frequency). This variant has been observed in individuals with early-onset seizures (PMID: 26954813, 29377098). Algorithms developed to predict the effect of missense changes on protein structure and function are either unavailable or do not agree on the potential impact of this missense change (SIFT: "Deleterious"; PolyPhen-2: "Possibly Damaging"; Align-GVGD: "Class C0"). In summary, the available evidence is currently insufficient to determine the role of this variant in disease. Therefore, it has been classified as a Variant of Uncertain Significance. This sequence change replaces isoleucine with lysine at codon 115 of the PCDH19 protein (p.Ile115Lys). The isoleucine residue is highly conserved and there is a moderate physicochemical difference between isoleucine and lysine.

Literature cited by the submitters: PubMed 26954813; PubMed 29377098.